The following is an entry in ClinVar:

ClinVar aggregate classification (germline): Uncertain significance. Review status: criteria provided, multiple submitters, no conflicts (2 of 4 stars). 3 submissions from 3 submitters: Uncertain significance (3). Last evaluated 2026-09-15.

Conditions:
SPG11-related disorder. Also called: SPG11-related condition.
Hereditary spastic paraplegia 11. Also called: Nakamura Osame syndrome; Autosomal recessive hereditary spastic paraplegia, mental impairment, and thin corpus callosum; Spastic paraplegia, mental retardation and thin corpus callosum; Spastic Paraplegia 11; SPASTIC PARAPLEGIA, AUTOSOMAL RECESSIVE, COMPLICATED, WITH THIN CORPUS CALLOSUM; SPASTIC PARAPLEGIA, AUTOSOMAL RECESSIVE, WITH MENTAL IMPAIRMENT AND THIN CORPUS CALLOSUM. Identifiers: Orphanet 2822, MedGen C1858479, MONDO:0011445, OMIM 604360.

gnomAD v4.1: 125 of 1,613,956 alleles (0.0077%); highest among the groups gnomAD compares: Non-Finnish European, 0.0012%; no homozygotes.

Submissions (3):

PreventionGenetics, part of Exact Sciences
Classification: Uncertain significance for SPG11-related condition. Last evaluated: 2026-09-15. Review status: criteria provided, single submitter. Criteria: ACMG Guidelines, 2015. Collection method: clinical testing. Allele origin: germline.
Comment: The SPG11 c.4436G>T variant is predicted to result in the amino acid substitution p.Gly1479Val. To our knowledge, this variant has not been reported in the literature. This variant is reported in 0.16% of alleles in individuals of European (Finnish) descent in gnomAD. Although we suspect that this variant may be benign, at this time, the clinical significance of this variant is uncertain due to the absence of conclusive functional and genetic evidence.

Blueprint Genetics
Classification: Uncertain significance. Last evaluated: 2024-05-13. Review status: criteria provided, single submitter. Criteria: ACMG Guidelines, 2015. Collection method: clinical testing. Allele origin: germline.

Labcorp Genetics (formerly Invitae), Labcorp
Classification: Uncertain significance for Hereditary spastic paraplegia 11. Last evaluated: 2022-04-25. Review status: criteria provided, single submitter. Criteria: Invitae Variant Classification Sherloc (09022015). Collection method: clinical testing. Allele origin: germline.
Comment: This sequence change replaces glycine, which is neutral and non-polar, with valine, which is neutral and non-polar, at codon 1479 of the SPG11 protein (p.Gly1479Val). This variant is present in population databases (rs374303102, gnomAD 0.2%). This variant has not been reported in the literature in individuals affected with SPG11-related conditions. Algorithms developed to predict the effect of missense changes on protein structure and function are either unavailable or do not agree on the potential impact of this missense change (SIFT: "Deleterious"; PolyPhen-2: "Benign"; Align-GVGD: "Class C0"). In summary, the available evidence is currently insufficient to determine the role of this variant in disease. Therefore, it has been classified as a Variant of Uncertain Significance.

NM_025137.4(SPG11):c.4436G>T (p.Gly1479Val)

Gene: SPG11 (SPG11 vesicle trafficking associated, spatacsin; minus strand). Cytogenetic location: 15q21.1.
Variant type: single nucleotide variant.
Coding change: c.4436G>T on transcript NM_025137.4 (MANE Select); coding-DNA position 4436, G replaced by T.
Protein change: p.Gly1479Val; replaces glycine 1479 with valine.
Molecular consequence: missense variant.
Genome position (GRCh38, 1-based): chr15:44,595,458, C>A on the plus strand (G>T on the coding strand, the complement: SPG11 is on the minus strand). VCF-style: chr15-44595458-C-A. GRCh37 (hg19) VCF-style: chr15-44887656-C-A.
Other names: c.4436G>T, p.Gly1479Val (NM_001160227.2, NM_001411132.1); c.4436G>T (NM_025137.3); short protein forms G1479V.
Identifiers: ClinVar variation 2080532 (VCV002080532.3), dbSNP rs374303102, ClinGen allele CA7534663.